The following is an entry in ClinVar:

NM_012123.4(MTO1):c.1294G>A (p.Val432Ile)

Gene: MTO1 (mitochondrial tRNA translation optimization 1; plus strand). Cytogenetic location: 6q13.
Variant type: single nucleotide variant.
Coding change: c.1294G>A on transcript NM_012123.4 (MANE Select); coding-DNA position 1294, G replaced by A.
Protein change: p.Val432Ile; replaces valine 432 with isoleucine.
Molecular consequence: missense variant.
Genome position (GRCh38, 1-based): chr6:73,482,073, G>A. VCF-style: chr6-73482073-G-A. GRCh37 (hg19) VCF-style: chr6-74191796-G-A.
Other names: c.1414G>A, p.Val472Ile (NM_001123226.2); c.1369G>A, p.Val457Ile (NM_133645.3); short protein forms V457I, V472I, V432I.
Identifiers: ClinVar variation 1345503 (VCV001345503.6), dbSNP rs774315947, ClinGen allele CA3889611.

ClinVar aggregate classification (germline): Uncertain significance (1 of 4 stars; one submission).

Conditions:
Mitochondrial hypertrophic cardiomyopathy with lactic acidosis due to MTO1 deficiency. Also called: Combined oxidative phosphorylation deficiency 10; CARDIOMYOPATHY, INFANTILE HYPERTROPHIC MITOCHONDRIAL, AND LACTIC ACIDOSIS. Identifiers: Orphanet 314637, MedGen C4749921, MONDO:0013865, OMIM 614702.

Submission:

Labcorp Genetics (formerly Invitae), Labcorp
Classification: Uncertain significance for Mitochondrial hypertrophic cardiomyopathy with lactic acidosis due to MTO1 deficiency. Last evaluated: 2021-10-19. Review status: criteria provided, single submitter. Criteria: Invitae Variant Classification Sherloc (09022015). Collection method: clinical testing. Allele origin: germline.
Comment: In summary, the available evidence is currently insufficient to determine the role of this variant in disease. Therefore, it has been classified as a Variant of Uncertain Significance. Algorithms developed to predict the effect of missense changes on protein structure and function (SIFT, PolyPhen-2, Align-GVGD) all suggest that this variant is likely to be tolerated. This variant has not been reported in the literature in individuals affected with MTO1-related conditions. This variant is present in population databases (rs774315947, ExAC 0.001%). This sequence change replaces valine with isoleucine at codon 432 of the MTO1 protein (p.Val432Ile). The valine residue is moderately conserved and there is a small physicochemical difference between valine and isoleucine.